The following is an entry in ClinVar:

NM_004629.2(FANCG):c.1032C>A (p.Ser344Arg)

Gene: FANCG (FA complementation group G; minus strand). Cytogenetic location: 9p13.3.
Variant type: single nucleotide variant.
Coding change: c.1032C>A on transcript NM_004629.2 (MANE Select); coding-DNA position 1032, C replaced by A.
Protein change: p.Ser344Arg; replaces serine 344 with arginine.
Molecular consequence: missense variant.
Genome position (GRCh38, 1-based): chr9:35,076,476, G>T on the plus strand (C>A on the coding strand, the complement: FANCG is on the minus strand). VCF-style: chr9-35076476-G-T. GRCh37 (hg19) VCF-style: chr9-35076473-G-T.
Other names: short protein forms S344R.
Identifiers: ClinVar variation 1909166 (VCV001909166.5), dbSNP rs2131055361, ClinGen allele CA373310737.

ClinVar aggregate classification (germline): Uncertain significance (1 of 4 stars; one submission).

Conditions:
Fanconi anemia (FA). Also called: Fanconi's anemia. Identifiers: Orphanet 84, MedGen C0015625, MeSH D005199, MONDO:0019391.

Submission:

Labcorp Genetics (formerly Invitae), Labcorp
Classification: Uncertain significance for Fanconi anemia. Last evaluated: 2022-07-12. Review status: criteria provided, single submitter. Criteria: Invitae Variant Classification Sherloc (09022015). Collection method: clinical testing. Allele origin: germline.
Comment: Algorithms developed to predict the effect of missense changes on protein structure and function are either unavailable or do not agree on the potential impact of this missense change (SIFT: "Tolerated"; PolyPhen-2: "Probably Damaging"; Align-GVGD: "Class C0"). In summary, the available evidence is currently insufficient to determine the role of this variant in disease. Therefore, it has been classified as a Variant of Uncertain Significance. This variant has not been reported in the literature in individuals affected with FANCG-related conditions. This variant is not present in population databases (gnomAD no frequency). This sequence change replaces serine, which is neutral and polar, with arginine, which is basic and polar, at codon 344 of the FANCG protein (p.Ser344Arg).